The following is an entry in ClinVar:

NC_000007.13:g.(?_145813969)_(148544390_?)dup

Genes: C7orf33 (chromosome 7 open reading frame 33; plus strand), CUL1 (cullin 1; plus strand), EZH2 (enhancer of zeste 2 polycomb repressive complex 2 subunit; minus strand), CNTNAP2 (contactin associated protein 2; plus strand). Cytogenetic location: 7q35-36.1.
Variant type: Duplication.
Identifiers: ClinVar variation 2425906 (VCV002425906.5).

ClinVar aggregate classification (germline): Uncertain significance (1 of 4 stars; one submission).

Conditions:
Cortical dysplasia-focal epilepsy syndrome (PTHSL1). Also called: Pitt-Hopkins-like syndrome 1. Identifiers: Orphanet 163681, Orphanet 221150, MedGen C2750246, MONDO:0012400, OMIM 610042.

Submission:

Labcorp Genetics (formerly Invitae), Labcorp
Classification: Uncertain significance for Cortical dysplasia-focal epilepsy syndrome. Last evaluated: 2022-06-23. Review status: criteria provided, single submitter. Criteria: Invitae Variant Classification Sherloc (09022015). Collection method: clinical testing. Allele origin: germline.
Comment: A copy number gain of the genomic region encompassing the full coding sequence of the CNTNAP2 gene has been identified. The boundaries of this event are unknown as they extend beyond the assayed region for this gene and therefore may encompass additional genes. As the precise location of this event is unknown, it may be in tandem or it may be located elsewhere in the genome. This variant has not been reported in the literature in individuals affected with CNTNAP2-related conditions. In summary, the available evidence is currently insufficient to determine the role of this variant in disease. Therefore, it has been classified as a Variant of Uncertain Significance.